The following is an entry in ClinVar:

ClinVar aggregate classification (germline): Uncertain significance. Review status: criteria provided, multiple submitters, no conflicts (2 of 4 stars). 2 submissions from 2 submitters: Uncertain significance (2). Last evaluated 2024-11-06.

Conditions:
Hereditary cancer-predisposing syndrome. Also called: Neoplastic Syndromes, Hereditary; Hereditary Cancer Syndrome; Hereditary neoplastic syndrome; Tumor predisposition. Identifiers: Orphanet 140162, MedGen C0027672, MeSH D009386, MONDO:0015356.
Neurofibromatosis, type 2 (SWNV). Also called: BILATERAL ACOUSTIC NEUROFIBROMATOSIS; SCHWANNOMATOSIS, VESTIBULAR; NF2-Related Schwannomatosis. Identifiers: Orphanet 637, MedGen C0027832, MONDO:0007039, OMIM 101000. Disease mechanism: loss of function.

Allele frequency attached by ClinVar (database versions not stated): gnomAD exomes below 0.00001.
gnomAD v4.1: 3 of 1,613,760 alleles (0.00019%); highest among the groups gnomAD compares: Non-Finnish European, 0.00025%; no homozygotes.

Submissions (2):

Ambry Genetics
Classification: Uncertain significance for Hereditary cancer-predisposing syndrome. Last evaluated: 2024-11-06. Review status: criteria provided, single submitter. Criteria: Ambry Variant Classification Scheme 2023. Collection method: clinical testing. Allele origin: germline.
Comment: The p.K523E variant (also known as c.1567A>G), located in coding exon 14 of the NF2 gene, results from an A to G substitution at nucleotide position 1567. The lysine at codon 523 is replaced by glutamic acid, an amino acid with similar properties. This amino acid position is well conserved in available vertebrate species. In addition, the in silico prediction for this alteration is inconclusive. Based on the available evidence, the clinical significance of this variant remains unclear.

Labcorp Genetics (formerly Invitae), Labcorp
Classification: Uncertain significance for Neurofibromatosis, type 2. Last evaluated: 2020-01-08. Review status: criteria provided, single submitter. Criteria: Invitae Variant Classification Sherloc (09022015). Collection method: clinical testing. Allele origin: germline.
Comment: Algorithms developed to predict the effect of missense changes on protein structure and function are either unavailable or do not agree on the potential impact of this missense change (SIFT: "Deleterious"; PolyPhen-2: "Possibly Damaging"; Align-GVGD: "Class C0"). In summary, the available evidence is currently insufficient to determine the role of this variant in disease. Therefore, it has been classified as a Variant of Uncertain Significance. This variant has not been reported in the literature in individuals with NF2-related conditions. This variant is not present in population databases (ExAC no frequency). This sequence change replaces lysine with glutamic acid at codon 523 of the NF2 protein (p.Lys523Glu). The lysine residue is highly conserved and there is a small physicochemical difference between lysine and glutamic acid.

NM_000268.4(NF2):c.1567A>G (p.Lys523Glu)

Gene: NF2 (NF2, moesin-ezrin-radixin like (MERLIN) tumor suppressor; plus strand). Cytogenetic location: 22q12.2.
Variant type: single nucleotide variant.
Coding change: c.1567A>G on transcript NM_000268.4 (MANE Select); coding-DNA position 1567, A replaced by G.
Protein change: p.Lys523Glu; replaces lysine 523 with glutamic acid.
Molecular consequence: missense variant. On other transcripts: non-coding transcript variant (1), intron variant (1).
Genome position (GRCh38, 1-based): chr22:29,678,316, A>G. VCF-style: chr22-29678316-A-G. GRCh37 (hg19) VCF-style: chr22-30074305-A-G.
Other names: c.1567A>G, p.Lys523Glu (NM_016418.5, NM_181825.3, NM_181832.3); c.1441A>G, p.Lys481Glu (NM_181828.3); c.1444A>G, p.Lys482Glu (NM_181829.3); c.1318A>G, p.Lys440Glu (NM_181830.3, NM_181831.3); c.448-16436A>G (NM_181833.3); short protein forms K440E, K481E, K482E, K523E.
Identifiers: ClinVar variation 1000945 (VCV001000945.16), dbSNP rs2067028599, ClinGen allele CA411149803.
Genomic context (GRCh38, chr22:29,678,316, plus strand): 5'-GACAGCCTGTCTTTCGACTTCAAAGATACTGACATGAAGCGGCTTTCCATGGAGATAGAG[A>G]AAGAAAAGTATGTAGCCCCCTGTGCCCTGCTGTGGGCAGCTGTGAACTAGACTGAGTGAT-3'
Protein context (NP_000259.1, residues 513-533): DMKRLSMEIE[Lys523Glu]EKVEYMEKSK